The following is an entry in ClinVar:

ClinVar aggregate classification (germline): Uncertain significance (1 of 4 stars; one submission).

Conditions:
Familial thoracic aortic aneurysm and aortic dissection (TAAD). Also called: Thoracic aortic aneurysms and dissections. Identifiers: Orphanet 91387, MedGen C4707243, MONDO:0019625.

Submission:

Ambry Genetics
Classification: Uncertain significance for Familial thoracic aortic aneurysm and aortic dissection. Last evaluated: 2016-02-03. Review status: criteria provided, single submitter. Criteria: Ambry Variant Classification Scheme 2023. Collection method: clinical testing. Allele origin: germline.
Comment: The p.K337E variant (also known as c.1009A>G), located in coding exon 6 of the TGFBR1 gene, results from an A to G substitution at nucleotide position 1009. The lysine at codon 337 is replaced by glutamic acid, an amino acid with similar properties. This amino acid position is highly conserved in available vertebrate species. In addition, this alteration is predicted to be deleterious by in silico analysis. Since supporting evidence is limited at this time, the clinical significance of this alteration remains unclear.

Literature cited by the submitters: PubMed 27879313.

NM_004612.4(TGFBR1):c.1009A>G (p.Lys337Glu)

Gene: TGFBR1 (transforming growth factor beta receptor 1; plus strand). Cytogenetic location: 9q22.33.
Variant type: single nucleotide variant.
Coding change: c.1009A>G on transcript NM_004612.4 (MANE Select); coding-DNA position 1009, A replaced by G.
Protein change: p.Lys337Glu; replaces lysine 337 with glutamic acid.
Molecular consequence: missense variant.
Genome position (GRCh38, 1-based): chr9:99,144,767, A>G. VCF-style: chr9-99144767-A-G. GRCh37 (hg19) VCF-style: chr9-101907049-A-G.
Other names: c.778A>G, p.Lys260Glu (NM_001130916.3); c.1021A>G, p.Lys341Glu (NM_001306210.2); short protein forms K337E, K341E, K260E.
Identifiers: ClinVar variation 520217 (VCV000520217.5), dbSNP rs113911127, ClinGen allele CA196892993.